The following is an entry in ClinVar:

ClinVar aggregate classification (germline): Conflicting classifications of pathogenicity. Review status: criteria provided, conflicting classifications (1 of 4 stars). 2 submissions from 2 submitters: Uncertain significance (1); Likely benign (1). Last evaluated 2023-06-29.

Submissions (2):

GeneDx
Classification: Uncertain significance. Last evaluated: 2023-06-29. Review status: criteria provided, single submitter. Criteria: GeneDx Variant Classification Process June 2021. Collection method: clinical testing. Allele origin: germline. Affected: yes.
Comment: Not observed at significant frequency in large population cohorts (gnomAD); In silico analysis supports that this missense variant has a deleterious effect on protein structure/function; Has not been previously published as pathogenic or benign to our knowledge

Labcorp Genetics (formerly Invitae), Labcorp
Classification: Likely benign. Last evaluated: 2020-07-02. Review status: criteria provided, single submitter. Criteria: Invitae Variant Classification Sherloc (09022015). Collection method: clinical testing. Allele origin: germline.

NM_004958.4(MTOR):c.5650G>A (p.Ala1884Thr)

Gene: MTOR (mechanistic target of rapamycin kinase; minus strand). Cytogenetic location: 1p36.22.
Variant type: single nucleotide variant.
Coding change: c.5650G>A on transcript NM_004958.4 (MANE Select); coding-DNA position 5650, G replaced by A.
Protein change: p.Ala1884Thr; replaces alanine 1884 with threonine.
Molecular consequence: missense variant.
Genome position (GRCh38, 1-based): chr1:11,129,802, C>T on the plus strand (G>A on the coding strand, the complement: MTOR is on the minus strand). VCF-style: chr1-11129802-C-T. GRCh37 (hg19) VCF-style: chr1-11189859-C-T.
Other names: short protein forms A1884T.
Identifiers: ClinVar variation 838134 (VCV000838134.10), dbSNP rs1643025235, ClinGen allele CA338397719.